The following is an entry in ClinVar:

ClinVar aggregate classification (germline): Uncertain significance. Review status: criteria provided, multiple submitters, no conflicts (2 of 4 stars). 2 submissions from 2 submitters: Uncertain significance (2). Last evaluated 2024-08-30.

Conditions:
Hereditary pancreatitis (PCTT). Also called: Hereditary chronic pancreatitis; PRSS1-Related Hereditary Pancreatitis. Identifiers: Orphanet 676, MedGen C0238339, MONDO:0008185, OMIM 167800.

Allele frequency attached by ClinVar (database versions not stated): gnomAD exomes 0.00001.

Submissions (2):

Ambry Genetics
Classification: Uncertain significance for Hereditary pancreatitis. Last evaluated: 2024-08-30. Review status: criteria provided, single submitter. Criteria: Ambry Variant Classification Scheme 2023. Collection method: clinical testing. Allele origin: germline.
Comment: The p.G60S variant (also known as c.178G>A), located in coding exon 3 of the CTRC gene, results from a G to A substitution at nucleotide position 178. The glycine at codon 60 is replaced by serine, an amino acid with similar properties. This amino acid position is conserved. In addition, this alteration is predicted to be deleterious by in silico analysis. Since supporting evidence is limited at this time, the clinical significance of this alteration remains unclear.

Mayo Clinic Laboratories, Mayo Clinic
Classification: Uncertain significance. Last evaluated: 2024-07-01. Review status: criteria provided, single submitter. Criteria: ACMG Guidelines, 2015. Collection method: clinical testing. Allele origin: germline. Observed: 1 variant allele.
Comment: PP3, PM2

NM_007272.3(CTRC):c.178G>A (p.Gly60Ser)

Gene: CTRC (chymotrypsin C; plus strand). Cytogenetic location: 1p36.21.
Variant type: single nucleotide variant.
Coding change: c.178G>A on transcript NM_007272.3 (MANE Select); coding-DNA position 178, G replaced by A.
Protein change: p.Gly60Ser; replaces glycine 60 with serine.
Molecular consequence: missense variant.
Genome position (GRCh38, 1-based): chr1:15,440,538, G>A. VCF-style: chr1-15440538-G-A. GRCh37 (hg19) VCF-style: chr1-15767034-G-A.
Other names: p.Gly60Ser; short protein forms G60S.
Identifiers: ClinVar variation 1780169 (VCV001780169.4), dbSNP rs1440455894, ClinGen allele CA338565037.
Genomic context (GRCh38, chr1:15,440,538, plus strand): 5'-CCCACCCTCCTGCAGATCTCCCTCCAGTACCTCAAGAACGACACGTGGAGGCATACGTGT[G>A]GCGGGACTTTGATTGCTAGCAACTTCGTCCTCACTGCCGCCCACTGCATCAGGTGTGCGG-3'
Protein context (NP_009203.2, residues 50-70): LKNDTWRHTC[Gly60Ser]GTLIASNFVL